The following is an entry in ClinVar:

ClinVar aggregate classification (germline): Benign (1 of 4 stars; one submission).

Conditions:
Sessile serrated polyposis cancer syndrome (SSPCS). Identifiers: Orphanet 157798, MedGen C4310714, MONDO:0014919, OMIM 617108.

Submission:

Myriad Genetics, Inc.
Classification: Benign for Sessile serrated polyposis cancer syndrome. Last evaluated: 2026-06-30. Review status: criteria provided, single submitter. Criteria: Myriad Autosomal Dominant, Autosomal Recessive and X-Linked Classification Criteria (2023). Collection method: clinical testing. Allele origin: unknown.
Comment: This variant is considered benign. This variant is a silent/synonymous amino acid change and it is not expected to impact splicing.

NM_017763.6(RNF43):c.810T>C (p.Pro270=)

Gene: RNF43 (ring finger protein 43; minus strand). Cytogenetic location: 17q22.
Variant type: single nucleotide variant.
Coding change: c.810T>C on transcript NM_017763.6 (MANE Select); coding-DNA position 810, T replaced by C.
Protein change: p.Pro270=; no amino-acid change (proline 270 retained).
Molecular consequence: synonymous variant.
Genome position (GRCh38, 1-based): chr17:58,360,822, A>G on the plus strand (T>C on the coding strand, the complement: RNF43 is on the minus strand). VCF-style: chr17-58360822-A-G. GRCh37 (hg19) VCF-style: chr17-56438183-A-G.
Other names: c.810T>C, p.Pro270= (NM_001305544.3, NM_001438820.1, NM_001438821.1 and 1 more transcripts); c.429T>C, p.Pro143= (NM_001305545.2, NM_001437987.1).
Identifiers: ClinVar variation 4875687 (VCV004875687.1).
Genomic context (GRCh38, chr17:58,360,822, plus strand): 5'-GAACCACAAGACCTGCCTTACCTGCCCCTCAGAGAACTCCTCCAGACAGATGGCACACAC[A>G]GGGGCTGAGCTGCAGCTGCTCCCTGAGTCTGGCCACTCACCCCGGGCCTGCCTGCAGCTG-3'
Protein context (NP_060233.3, residues 260-280): PDSGSSCSSA[Pro270=]VCAICLEEFS